The following is an entry in ClinVar:

NM_020163.3(SEMA3G):c.593G>A (p.Arg198Gln)

Gene: SEMA3G (semaphorin 3G; minus strand). Cytogenetic location: 3p21.1.
Variant type: single nucleotide variant.
Coding change: c.593G>A on transcript NM_020163.3 (MANE Select); coding-DNA position 593, G replaced by A.
Protein change: p.Arg198Gln; replaces arginine 198 with glutamine.
Molecular consequence: missense variant.
Genome position (GRCh38, 1-based): chr3:52,441,648, C>T on the plus strand (G>A on the coding strand, the complement: SEMA3G is on the minus strand). VCF-style: chr3-52441648-C-T. GRCh37 (hg19) VCF-style: chr3-52475664-C-T.
Other names: short protein forms R198Q.
Identifiers: ClinVar variation 4990125 (VCV004990125.1).

ClinVar aggregate classification (germline): Uncertain significance (1 of 4 stars; one submission).

Conditions:
SEMA3G-related disorder. Also called: SEMA3G-related condition.

gnomAD v4.1: 49 of 1,613,806 alleles (0.003%); highest among the groups gnomAD compares: East Asian, 0.089%; no homozygotes.

Submission:

PreventionGenetics, part of Exact Sciences
Classification: Uncertain significance for SEMA3G-related condition. Last evaluated: 2026-01-28. Review status: criteria provided, single submitter. Criteria: ACMG Guidelines, 2015. Collection method: clinical testing. Allele origin: germline.
Comment: The SEMA3G c.593G>A variant is predicted to result in the amino acid substitution p.Arg198Gln. To our knowledge, this variant has not been reported in the literature. This variant is reported in 0.044% of alleles in individuals of East Asian descent in gnomAD. At this time, the clinical significance of this variant is uncertain due to the absence of conclusive functional and genetic evidence.